The following is an entry in ClinVar:

ClinVar aggregate classification (germline): Uncertain significance. Review status: criteria provided, multiple submitters, no conflicts (2 of 4 stars). 2 submissions from 2 submitters: Uncertain significance (2). Last evaluated 2024-06-17.

Conditions:
Autosomal dominant Robinow syndrome 1. Also called: Covesdem syndrome (formerly); Costovertebral segmentation defect with mesomelia (formerly); FETAL FACE SYNDROME; ROBINOW DWARFISM; ACRAL DYSOSTOSIS WITH FACIAL AND GENITAL ABNORMALITIES; WNT5A-Related Robinow Syndrome, Autosomal Dominant. Identifiers: Orphanet 3107, Orphanet 97360, MedGen C4551475, MONDO:0024455, OMIM 180700.

Allele frequency attached by ClinVar (database versions not stated): gnomAD 0.00001; gnomAD exomes 0.00002 and 0.00004; TOPMed 0.00002; ExAC 0.00005.
gnomAD v4.1: 30 of 1,605,792 alleles (0.0019%); highest among the groups gnomAD compares: Non-Finnish European, 0.0025%; no homozygotes.

Submissions (2):

Labcorp Genetics (formerly Invitae), Labcorp
Classification: Uncertain significance. Last evaluated: 2024-06-17. Review status: criteria provided, single submitter. Criteria: Invitae Variant Classification Sherloc (09022015). Collection method: clinical testing. Allele origin: germline.
Comment: This sequence change replaces asparagine, which is neutral and polar, with serine, which is neutral and polar, at codon 185 of the WNT5A protein (p.Asn185Ser). This variant is present in population databases (rs771010789, gnomAD 0.006%). This variant has not been reported in the literature in individuals affected with WNT5A-related conditions. Advanced modeling of protein sequence and biophysical properties (such as structural, functional, and spatial information, amino acid conservation, physicochemical variation, residue mobility, and thermodynamic stability) performed at Invitae indicates that this missense variant is expected to disrupt WNT5A protein function with a positive predictive value of 80%. In summary, the available evidence is currently insufficient to determine the role of this variant in disease. Therefore, it has been classified as a Variant of Uncertain Significance.

Fulgent Genetics
Classification: Uncertain significance for Autosomal dominant Robinow syndrome 1. Last evaluated: 2024-05-24. Review status: criteria provided, single submitter. Criteria: ACMG Guidelines, 2015. Collection method: clinical testing. Allele origin: germline.

NM_003392.7(WNT5A):c.554A>G (p.Asn185Ser)

Gene: WNT5A (Wnt family member 5A; minus strand). Cytogenetic location: 3p14.3.
Variant type: single nucleotide variant.
Coding change: c.554A>G on transcript NM_003392.7 (MANE Select); coding-DNA position 554, A replaced by G.
Protein change: p.Asn185Ser; replaces asparagine 185 with serine.
Molecular consequence: missense variant.
Genome position (GRCh38, 1-based): chr3:55,474,467, T>C on the plus strand (A>G on the coding strand, the complement: WNT5A is on the minus strand). VCF-style: chr3-55474467-T-C. GRCh37 (hg19) VCF-style: chr3-55508495-T-C.
Other names: c.509A>G, p.Asn170Ser (NM_001256105.1, NM_001377271.1, NM_001377272.1); short protein forms N170S, N185S.
Identifiers: ClinVar variation 1362244 (VCV001362244.10), dbSNP rs771010789, ClinGen allele CA2459030.